The following is an entry in ClinVar:

ClinVar aggregate classification (germline): Uncertain significance (1 of 4 stars; one submission).

Conditions:
Inborn genetic diseases. Identifiers: MedGen C0950123, MeSH D030342.

Submission:

Ambry Genetics
Classification: Uncertain significance for Inborn genetic diseases. Last evaluated: 2025-02-20. Review status: criteria provided, single submitter. Criteria: Ambry Variant Classification Scheme 2023. Collection method: clinical testing. Allele origin: germline.
Comment: The p.E766D variant (also known as c.2298G>C), located in coding exon 21 of the ANKRD26 gene, results from a G to C substitution at nucleotide position 2298. The glutamic acid at codon 766 is replaced by aspartic acid, an amino acid with highly similar properties. This amino acid position is conserved. In addition, this alteration is predicted to be tolerated by in silico analysis. Based on the available evidence, the clinical significance of this variant remains unclear.

NM_014915.3(ANKRD26):c.2298G>C (p.Glu766Asp)

Gene: ANKRD26 (ankyrin repeat domain containing 26; minus strand). Cytogenetic location: 10p12.1.
Variant type: single nucleotide variant.
Coding change: c.2298G>C on transcript NM_014915.3 (MANE Select); coding-DNA position 2298, G replaced by C.
Protein change: p.Glu766Asp; replaces glutamic acid 766 with aspartic acid.
Molecular consequence: missense variant.
Genome position (GRCh38, 1-based): chr10:27,040,042, C>G on the plus strand (G>C on the coding strand, the complement: ANKRD26 is on the minus strand). VCF-style: chr10-27040042-C-G. GRCh37 (hg19) VCF-style: chr10-27328971-C-G.
Other names: c.2295G>C, p.Glu765Asp (NM_001256053.2); short protein forms E765D, E766D.
Identifiers: ClinVar variation 3871469 (VCV003871469.1).
Genomic context (GRCh38, chr10:27,040,042, plus strand): 5'-TCGTTCCCATTCAACTTTTTGATGCTCTAACTGTGATTTTATTTCTTTTGTTTCAGATAG[C>G]TCCCTTTGTAGTACATTAACCTTGTCTTCCATTTTTTTAATTTTTACTGTAAGTAGTTCA-3'
Protein context (NP_055730.2, residues 756-776): MEDKVNVLQR[Glu766Asp]LSETKEIKSQ